The following is an entry in ClinVar:

ClinVar aggregate classification (germline): Uncertain significance. Review status: criteria provided, multiple submitters, no conflicts (2 of 4 stars). 2 submissions from 2 submitters: Uncertain significance (2). Last evaluated 2025-07-17.

Conditions:
Hereditary cancer-predisposing syndrome. Also called: Neoplastic Syndromes, Hereditary; Hereditary Cancer Syndrome; Hereditary neoplastic syndrome; Tumor predisposition. Identifiers: Orphanet 140162, MedGen C0027672, MeSH D009386, MONDO:0015356.

Submissions (2):

Ambry Genetics
Classification: Uncertain significance for Hereditary cancer-predisposing syndrome. Last evaluated: 2025-07-17. Review status: criteria provided, single submitter. Criteria: Ambry Variant Classification Scheme 2023. Collection method: clinical testing. Allele origin: germline.
Comment: The p.Q174K variant (also known as c.520C>A), located in coding exon 4 of the RAD50 gene, results from a C to A substitution at nucleotide position 520. The glutamine at codon 174 is replaced by lysine, an amino acid with similar properties. This amino acid position is conserved. In addition, this alteration is predicted to be tolerated by in silico analysis. Based on the available evidence, the clinical significance of this variant remains unclear.

Labcorp Genetics (formerly Invitae), Labcorp
Classification: Uncertain significance for Hereditary cancer-predisposing syndrome. Last evaluated: 2023-03-14. Review status: criteria provided, single submitter. Criteria: Invitae Variant Classification Sherloc (09022015). Collection method: clinical testing. Allele origin: germline.
Comment: This variant has not been reported in the literature in individuals affected with RAD50-related conditions. Advanced modeling of protein sequence and biophysical properties (such as structural, functional, and spatial information, amino acid conservation, physicochemical variation, residue mobility, and thermodynamic stability) performed at Invitae indicates that this missense variant is not expected to disrupt RAD50 protein function. In summary, the available evidence is currently insufficient to determine the role of this variant in disease. Therefore, it has been classified as a Variant of Uncertain Significance. This variant is not present in population databases (gnomAD no frequency). This sequence change replaces glutamine, which is neutral and polar, with lysine, which is basic and polar, at codon 174 of the RAD50 protein (p.Gln174Lys).

NM_005732.4(RAD50):c.520C>A (p.Gln174Lys)

Gene: RAD50 (RAD50 double strand break repair protein; plus strand). Cytogenetic location: 5q31.1.
Variant type: single nucleotide variant.
Coding change: c.520C>A on transcript NM_005732.4 (MANE Select); coding-DNA position 520, C replaced by A.
Protein change: p.Gln174Lys; replaces glutamine 174 with lysine.
Molecular consequence: missense variant.
Genome position (GRCh38, 1-based): chr5:132,579,471, C>A. VCF-style: chr5-132579471-C-A. GRCh37 (hg19) VCF-style: chr5-131915163-C-A.
Other names: c.520C>A (NM_005732.3); short protein forms Q174K.
Identifiers: ClinVar variation 2845527 (VCV002845527.4), dbSNP rs2149837796, ClinGen allele CA360934901.